The following is an entry in ClinVar:

ClinVar aggregate classification (germline): Uncertain significance (1 of 4 stars; one submission).

Conditions:
Inborn genetic diseases. Identifiers: MedGen C0950123, MeSH D030342.

Allele frequency attached by ClinVar (database versions not stated): gnomAD exomes below 0.00001; TOPMed below 0.00001.
gnomAD v4.1: 1 of 1,614,086 alleles (0.000062%); highest among the groups gnomAD compares: Non-Finnish European, 0.000085%; no homozygotes.

Submission:

Ambry Genetics
Classification: Uncertain significance for Inborn genetic diseases. Last evaluated: 2021-10-07. Review status: criteria provided, single submitter. Criteria: Ambry Variant Classification Scheme 2023. Collection method: clinical testing. Allele origin: germline.
Comment: The p.A653V variant (also known as c.1958C>T), located in coding exon 12 of the EPAS1 gene, results from a C to T substitution at nucleotide position 1958. The alanine at codon 653 is replaced by valine, an amino acid with similar properties. This amino acid position is conserved. In addition, this alteration is predicted to be tolerated by in silico analysis. Since supporting evidence is limited at this time, the clinical significance of this alteration remains unclear.

NM_001430.5(EPAS1):c.1958C>T (p.Ala653Val)

Gene: EPAS1 (endothelial PAS domain protein 1; plus strand). Cytogenetic location: 2p21.
Variant type: single nucleotide variant.
Coding change: c.1958C>T on transcript NM_001430.5 (MANE Select); coding-DNA position 1958, C replaced by T.
Protein change: p.Ala653Val; replaces alanine 653 with valine.
Molecular consequence: missense variant.
Genome position (GRCh38, 1-based): chr2:46,380,630, C>T. VCF-style: chr2-46380630-C-T. GRCh37 (hg19) VCF-style: chr2-46607769-C-T.
Other names: short protein forms A653V.
Identifiers: ClinVar variation 1783353 (VCV001783353.2), dbSNP rs927242408, ClinGen allele CA46567106.